The following is an entry in ClinVar:

ClinVar aggregate classification (germline): Conflicting classifications of pathogenicity. Review status: criteria provided, conflicting classifications (1 of 4 stars). 2 submissions from 2 submitters: Uncertain significance (1); Likely benign (1). Last evaluated 2023-10-09.

Conditions:
Genitopatellar syndrome (GTPTS). Also called: ABSENT PATELLAE, SCROTAL HYPOPLASIA, RENAL ANOMALIES, FACIAL DYSMORPHISM, AND MENTAL RETARDATION; Genitopatellar syndrome (GPS). Identifiers: Orphanet 85201, MedGen C1853566, MONDO:0011640, OMIM 606170.
Inborn genetic diseases. Identifiers: MedGen C0950123, MeSH D030342.

Allele frequency attached by ClinVar (database versions not stated): TOPMed 0.00002.

Submissions (2):

Labcorp Genetics (formerly Invitae), Labcorp
Classification: Uncertain significance for Genitopatellar syndrome. Last evaluated: 2023-10-09. Review status: criteria provided, single submitter. Criteria: Invitae Variant Classification Sherloc (09022015). Collection method: clinical testing. Allele origin: germline.
Comment: This sequence change replaces threonine, which is neutral and polar, with alanine, which is neutral and non-polar, at codon 143 of the KAT6B protein (p.Thr143Ala). This variant is present in population databases (no rsID available, gnomAD 0.009%). This variant has not been reported in the literature in individuals affected with KAT6B-related conditions. ClinVar contains an entry for this variant (Variation ID: 2082039). Advanced modeling of protein sequence and biophysical properties (such as structural, functional, and spatial information, amino acid conservation, physicochemical variation, residue mobility, and thermodynamic stability) performed at Invitae indicates that this missense variant is not expected to disrupt KAT6B protein function. In summary, the available evidence is currently insufficient to determine the role of this variant in disease. Therefore, it has been classified as a Variant of Uncertain Significance.

Ambry Genetics
Classification: Likely benign for Inborn genetic diseases. Last evaluated: 2021-07-09. Review status: criteria provided, single submitter. Criteria: Ambry Variant Classification Scheme 2023. Collection method: clinical testing. Allele origin: germline.

NM_012330.4(KAT6B):c.427A>G (p.Thr143Ala)

Gene: KAT6B (lysine acetyltransferase 6B; plus strand). Cytogenetic location: 10q22.2.
Variant type: single nucleotide variant.
Coding change: c.427A>G on transcript NM_012330.4 (MANE Select); coding-DNA position 427, A replaced by G.
Protein change: p.Thr143Ala; replaces threonine 143 with alanine.
Molecular consequence: missense variant. On other transcripts: 5 prime UTR variant (2).
Genome position (GRCh38, 1-based): chr10:74,843,284, A>G. VCF-style: chr10-74843284-A-G. GRCh37 (hg19) VCF-style: chr10-76603042-A-G.
Other names: c.427A>G, p.Thr143Ala (NM_001256468.2, NM_001256469.2, NM_001370132.1 and 10 more transcripts); c.-112A>G (NM_001370134.1, NM_001370135.1); short protein forms T143A.
Identifiers: ClinVar variation 2082039 (VCV002082039.5), dbSNP rs1415150379, ClinGen allele CA377400018.